The following is an entry in ClinVar:

NM_000352.6(ABCC8):c.3111C>T (p.Thr1037=)

Gene: ABCC8 (ATP binding cassette subfamily C member 8; minus strand). Cytogenetic location: 11p15.1.
Variant type: single nucleotide variant.
Coding change: c.3111C>T on transcript NM_000352.6 (MANE Select); coding-DNA position 3111, C replaced by T.
Protein change: p.Thr1037=; no amino-acid change (threonine 1037 retained).
Molecular consequence: synonymous variant. On other transcripts: non-coding transcript variant (1).
Genome position (GRCh38, 1-based): chr11:17,406,939, G>A on the plus strand (C>T on the coding strand, the complement: ABCC8 is on the minus strand). VCF-style: chr11-17406939-G-A. GRCh37 (hg19) VCF-style: chr11-17428486-G-A.
Other names: c.3114C>T, p.Thr1038= (NM_001287174.3); c.3177C>T, p.Thr1059= (NM_001351295.2); c.3111C>T, p.Thr1037= (NM_001351296.2); c.3108C>T, p.Thr1036= (NM_001351297.2); c.3111C>T (NM_000352.3).
Identifiers: ClinVar variation 706691 (VCV000706691.16), dbSNP rs201662945, ClinGen allele CA5902920.

ClinVar aggregate classification (germline): Conflicting classifications of pathogenicity. Review status: criteria provided, conflicting classifications (1 of 4 stars). 6 submissions from 5 submitters: Uncertain significance (2); Likely benign (2). 2 of the submissions do not count toward it. Last evaluated 2026-01-09.

Conditions:
Maturity-onset diabetes of the young (MODY). Also called: Maturity onset diabetes mellitus in young. Identifiers: Orphanet 552, MedGen C0342276, MONDO:0018911, HP:0004904.
Hereditary hyperinsulinism.
Inborn genetic diseases. Identifiers: MedGen C0950123, MeSH D030342.
ABCC8-related disorder.
Transitory neonatal diabetes mellitus. Also called: Transient neonatal diabetes mellitus. Identifiers: MedGen C0342273, MONDO:0020525, HP:0008255.

Allele frequency attached by ClinVar (database versions not stated): gnomAD exomes 0.00002 and 0.00004; ExAC 0.00004; ESP Exome Variant Server 0.00015; 1000 Genomes Project 30x 0.00016; gnomAD 0.00026 and 0.00024; TOPMed 0.00029; 1000 Genomes Project 0.00020.
gnomAD v4.1: 63 of 1,614,104 alleles (0.0039%); highest among the groups gnomAD compares: African/African-American, 0.045%; no homozygotes.

Submissions (6):

Labcorp Genetics (formerly Invitae), Labcorp
Classification: Likely benign. Last evaluated: 2026-01-09. Review status: criteria provided, single submitter. Criteria: Invitae Variant Classification Sherloc (09022015). Collection method: clinical testing. Allele origin: germline.

Ambry Genetics
Classification: Likely benign for Inborn genetic diseases. Last evaluated: 2022-12-09. Review status: criteria provided, single submitter. Criteria: Ambry Variant Classification Scheme 2023. Collection method: clinical testing. Allele origin: germline.

Clinical Genomics, Uppaluri K&H Personalized Medicine Clinic
Classification: Uncertain significance for Maturity-onset diabetes of the young. Review status: criteria provided, single submitter. Criteria: K & H Uppaluri Personalized Medicine Clinic Variant Classification & Assertion Criteria_Updated V.1. Collection method: research. Allele origin: somatic. Inheritance: Somatic mutation. Affected: no.
Comment: Mutations in ABCC8 gene are associated with both neonatal diabetes mellitus as well as MODY. Patients with this mutation may have a better response to sulfonylureas. However, no sufficient evidence is found to ascertain the role of this particular variant ( rs201662945) in MODY yet.

Clinical Genomics, Uppaluri K&H Personalized Medicine Clinic
Classification: Uncertain significance for Transitory neonatal diabetes mellitus. Review status: criteria provided, single submitter. Criteria: K & H Uppaluri Personalized Medicine Clinic Variant Classification & Assertion Criteria_Updated V.1. Collection method: research. Allele origin: somatic. Inheritance: Somatic mutation.
Comment: Mutations in ABCC8 gene are associated with both neonatal diabetes mellitus as well as MODY. Patients with this mutation may have a better response to sulfonylureas. However, no sufficient evidence is found to ascertain the role of this particular variant ( rs201662945) in neonatal diabetes yet.

Natera, Inc.
Classification: Uncertain significance for Hereditary hyperinsulinism. Last evaluated: 2020-01-24. Review status: no assertion criteria provided. Collection method: clinical testing. Allele origin: germline. Not counted in ClinVar's aggregate classification.

PreventionGenetics, part of Exact Sciences
Classification: Likely benign for ABCC8-related condition. Last evaluated: 2019-08-06. Review status: no assertion criteria provided. Collection method: clinical testing. Allele origin: germline. Not counted in ClinVar's aggregate classification.
Comment: This variant is classified as likely benign based on ACMG/AMP sequence variant interpretation guidelines (Richards et al. 2015 PMID: 25741868, with internal and published modifications).

Literature cited by the submitters: PubMed 16885549 (cited by Clinical Genomics, Uppaluri K&H Personalized Medicine Clinic); PubMed 21989597 (cited by Clinical Genomics, Uppaluri K&H Personalized Medicine Clinic); PubMed 27538677 (cited by Clinical Genomics, Uppaluri K&H Personalized Medicine Clinic); PubMed 18981553 (cited by Clinical Genomics, Uppaluri K&H Personalized Medicine Clinic); PubMed 32027066 (cited by Clinical Genomics, Uppaluri K&H Personalized Medicine Clinic); PubMed 16613899 (cited by Clinical Genomics, Uppaluri K&H Personalized Medicine Clinic); PubMed 18025408 (cited by Clinical Genomics, Uppaluri K&H Personalized Medicine Clinic); PubMed 32792356 (cited by Clinical Genomics, Uppaluri K&H Personalized Medicine Clinic).